The following is an entry in ClinVar:

NM_182925.5(FLT4):c.1706dup (p.Glu570fs)

Gene: FLT4 (fms related receptor tyrosine kinase 4; minus strand). Cytogenetic location: 5q35.3.
Variant type: Duplication.
Coding change: c.1706dup on transcript NM_182925.5 (MANE Select); coding-DNA position 1706, one base duplicated (T; older notation c.1706dupT).
Protein change: p.Glu570fs; shifts the reading frame from glutamic acid 570.
Molecular consequence: frameshift variant.
Genome position (GRCh38, 1-based): chr5:180,621,856, A duplicated on the plus strand (T on the coding strand, the reverse complement: FLT4 is on the minus strand). VCF-style (leftmost placement, unchanged base first): chr5-180621855-T-TA. GRCh37 (hg19) VCF-style: chr5-180048855-T-TA.
Other names: c.1706dup, p.Glu570fs (NM_001354989.2, NM_002020.5); short protein forms E570fs.
Identifiers: ClinVar variation 3778773 (VCV003778773.1).

ClinVar aggregate classification (germline): Pathogenic (1 of 4 stars; one submission).

Conditions:
Congenital heart defects, multiple types, 7. Identifiers: MedGen C5394062, MONDO:0032913, OMIM 618780.

Submission:

Daryl Scott Lab, Baylor College of Medicine
Classification: Pathogenic for Congenital heart defects, multiple types, 7. Last evaluated: 2024-04-01. Review status: criteria provided, single submitter. Criteria: ACMG Guidelines, 2015. Collection method: clinical testing. Allele origin: de novo. Affected: yes. Observed: 1 heterozygote.
Comment: PVS1, PS2, PM2